The following is an entry in ClinVar:

ClinVar aggregate classification (germline): Uncertain significance. Review status: criteria provided, multiple submitters, no conflicts (2 of 4 stars). 2 submissions from 2 submitters: Uncertain significance (2). Last evaluated 2025-12-18.

Conditions:
UGT1A1-related disorder. Also called: UGT1A1-related disorders; UGT1A1-related condition.

gnomAD v4.1: 1 of 1,614,204 alleles (0.000062%); highest among the groups gnomAD compares: Non-Finnish European, 0.000085%; no homozygotes.

Submissions (2):

PreventionGenetics, part of Exact Sciences
Classification: Uncertain significance for UGT1A1-related condition. Last evaluated: 2025-12-18. Review status: criteria provided, single submitter. Criteria: ACMG Guidelines, 2015. Collection method: clinical testing. Allele origin: germline.
Comment: The UGT1A1 c.236A>G variant is predicted to result in the amino acid substitution p.Tyr79Cys. To our knowledge, this variant has not been reported in the literature or in a large population database (gnomAD), indicating this variant is rare. At this time, the clinical significance of this variant is uncertain due to the absence of conclusive functional and genetic evidence.

Revvity Omics, Revvity
Classification: Uncertain significance. Last evaluated: 2024-12-03. Review status: criteria provided, single submitter. Criteria: ACMG Guidelines, 2015. Collection method: clinical testing. Allele origin: germline.

NM_000463.3(UGT1A1):c.236A>G (p.Tyr79Cys)

Genes: UGT1A (UDP glucuronosyltransferase family 1 member A complex locus; plus strand), UGT1A1 (UDP glucuronosyltransferase family 1 member A1; plus strand), UGT1A10 (UDP glucuronosyltransferase family 1 member A10; plus strand), UGT1A3 (UDP glucuronosyltransferase family 1 member A3; plus strand), UGT1A4 (UDP glucuronosyltransferase family 1 member A4; plus strand) and 5 more. Cytogenetic location: 2q37.1.
Variant type: single nucleotide variant.
Coding change: c.236A>G on transcript NM_000463.3 (MANE Select); coding-DNA position 236, A replaced by G.
Protein change: p.Tyr79Cys; replaces tyrosine 79 with cysteine.
Molecular consequence: missense variant. On other transcripts: intron variant (9).
Genome position (GRCh38, 1-based): chr2:233,760,523, A>G. VCF-style: chr2-233760523-A-G. GRCh37 (hg19) VCF-style: chr2-234669169-A-G.
Other names: c.856-6511A>G (NM_019076.5, NM_019075.4, NM_021027.3 and 1 more transcripts); c.61-6511A>G (NM_205862.3); c.862-6511A>G (NM_001072.4); c.868-6511A>G (NM_019078.2, NM_007120.3, NM_019093.4); short protein forms Y79C.
Identifiers: ClinVar variation 4080965 (VCV004080965.2).